The following is an entry in ClinVar:

NM_001318852.2(MAPK8IP3):c.442T>C (p.Ser148Pro)

Gene: MAPK8IP3 (mitogen-activated protein kinase 8 interacting protein 3; plus strand). Cytogenetic location: 16p13.3.
Variant type: single nucleotide variant.
Coding change: c.442T>C on transcript NM_001318852.2 (MANE Select); coding-DNA position 442, T replaced by C.
Protein change: p.Ser148Pro; replaces serine 148 with proline.
Molecular consequence: missense variant.
Genome position (GRCh38, 1-based): chr16:1,729,140, T>C. VCF-style: chr16-1729140-T-C. GRCh37 (hg19) VCF-style: chr16-1779141-T-C.
Other names: c.442T>C, p.Ser148Pro (NM_001040439.2, NM_015133.5); short protein forms S148P.
Identifiers: ClinVar variation 3381657 (VCV003381657.1).
Genomic context (GRCh38, chr16:1,729,140, plus strand): 5'-GAGTTCAGGGCCATGGAGAAGCGTCTTGTGCGGCTCAGACAGTGATTGTGTTTTCCAGTT[T>C]CCCGGTTGGAGGAGCGGGAGTCGGAGATGAAGAAGGAGTACAATGCCCTGCACCAGCGGC-3'
Protein context (NP_001305781.1, residues 138-158): LKAKNYADQI[Ser148Pro]RLEERESEMK

ClinVar aggregate classification (germline): Uncertain significance (1 of 4 stars; one submission).

Submission:

GeneDx
Classification: Uncertain significance. Last evaluated: 2024-05-20. Review status: criteria provided, single submitter. Criteria: GeneDx Variant Classification Process June 2021. Collection method: clinical testing. Allele origin: germline. Affected: yes.
Comment: Not observed at significant frequency in large population cohorts (gnomAD); In silico analysis supports that this missense variant has a deleterious effect on protein structure/function; Has not been previously published as pathogenic or benign to our knowledge